The following is an entry in ClinVar:

ClinVar aggregate classification (germline): Uncertain significance. Review status: reviewed by expert panel (3 of 4 stars). 4 submissions from 4 submitters: Uncertain significance (1). 3 of the submissions do not count toward it. Last evaluated 2022-12-13.

Conditions:
Very long chain acyl-CoA dehydrogenase deficiency (ACADVLD). Also called: VLCAD Deficiency; Very Long-Chain Acyl-Coenzyme A Dehydrogenase Deficiency. Identifiers: Orphanet 26793, MedGen C3887523, MONDO:0008723, OMIM 201475.

Submissions (4):

ClinGen ACADVL Variant Curation Expert Panel, ClinGen
Classification: Uncertain significance for Very long chain acyl-CoA dehydrogenase deficiency. Last evaluated: 2022-12-13. Review status: reviewed by expert panel. Criteria: clingen acadvl acmg specifications v1. Collection method: curation. Allele origin: germline. Inheritance: Autosomal recessive inheritance.
Comment: The c.339C>A variant in ACADVL is a missense variant predicted to cause substitution of phenylalanine by leucine at amino acid 113 (p.(Phe113Leu)). The variant has been identified in at least one individual identified by newborn screen for very long chain acyl CoA dehydrogenase (VLCAD) deficiency with a distinct pathogenic variant and was confirmed in trans by parental testing (PM3 points = 1.0; PMID: 21932095; c.848T>C, p.(Val243Ala) ClinVar Variation ID: 21025) (PM3). This individual had NBS C14:1 levels (1.10 uM) above the threshold of ≥ 1.0 μM as specified by the ClinGen ACADVL VCEP. Determination of residual VLCAD activity was performed in lymphocytes derived from this individual and these cells retained 22% ACADVL activity (PMID: 21932095) (PP4_Moderate). This variant is absent from gnomAD 2.1.1 (PM2_Supporting). The computational predictor REVEL gives a score of 0.722 which is less than the threshold of 0.75 recommended by ClinGen ACADVL VCEP. In summary, this variant meets the criteria to be classified as UNCERTAIN SIGNIFICANCE for autosomal recessive very long chain acyl-CoA dehydrogenase (VLCAD) deficiency based on the ACMG/AMP criteria applied, as specified by the ClinGen ACADVL Variant Curation Expert Panel: PM3, PP4_Moderate, PM2_Supporting (ClinGen ACADVL VCEP specifications version #1.0; approved 2022-12-13)

Women's Health and Genetics/Laboratory Corporation of America, LabCorp
Classification: Likely pathogenic for Very long chain acyl-CoA dehydrogenase deficiency. Last evaluated: 2026-06-04. Review status: criteria provided, single submitter. Criteria: LabCorp Variant Classification Summary - May 2015. Collection method: clinical testing. Allele origin: germline. Not counted in ClinVar's aggregate classification.
Comment: Variant summary: ACADVL c.339C>A (p.Phe113Leu) results in a non-conservative amino acid change in the encoded protein sequence. Algorithms developed to predict the effect of missense changes on protein structure and function all suggest that this variant is likely to be disruptive. The variant was absent in 251312 control chromosomes. c.339C>A has been observed in multiple compound heterozygous individuals affected with ACADVL-related conditions (e.g. Hoffmann_2012, Hesse_2018, Al Bandari_2024). These data indicate that the variant may be associated with disease. To our knowledge, no experimental evidence demonstrating an impact on protein function has been reported. The following publications have been ascertained in the context of this evaluation (PMID: 38651394, 30194637, 21932095). ClinVar contains an entry for this variant (Variation ID: 474895). Based on the evidence outlined above, the variant was classified as likely pathogenic.

Labcorp Genetics (formerly Invitae), Labcorp
Classification: Pathogenic for Very long chain acyl-CoA dehydrogenase deficiency. Last evaluated: 2019-12-30. Review status: criteria provided, single submitter. Criteria: Invitae Variant Classification Sherloc (09022015). Collection method: clinical testing. Allele origin: germline. Not counted in ClinVar's aggregate classification.
Comment: For these reasons, this variant has been classified as Pathogenic. Algorithms developed to predict the effect of sequence changes on RNA splicing suggest that this variant may create or strengthen a splice site, but this prediction has not been confirmed by published transcriptional studies. Algorithms developed to predict the effect of missense changes on protein structure and function (SIFT, PolyPhen-2, Align-GVGD) all suggest that this variant is likely to be tolerated, but these predictions have not been confirmed by published functional studies and their clinical significance is uncertain. This variant has been observed in individual(s) with very longchain acyl-CoA dehydrogenase deficiency (PMID: 21932095, 30194637). In at least one individual the data is consistent with the variant being in trans (on the opposite chromosome) from a pathogenic variant. ClinVar contains an entry for this variant (Variation ID: 474895). This variant is not present in population databases (ExAC no frequency). This sequence change replaces phenylalanine with leucine at codon 113 of the ACADVL protein (p.Phe113Leu). The phenylalanine residue is highly conserved and there is a small physicochemical difference between phenylalanine and leucine.

Wong Mito Lab, Molecular and Human Genetics, Baylor College of Medicine
Classification: Pathogenic for Very long chain acyl-CoA dehydrogenase deficiency. Last evaluated: 2019-11-01. Review status: criteria provided, single submitter. Criteria: ACMG Guidelines, 2015. Collection method: clinical testing. Allele origin: germline. Not counted in ClinVar's aggregate classification.
Comment: The NM_000018.3:c.339C>A (NP_000009.1:p.Phe113Leu) [GRCH38: NC_000017.11:g.7220827C>A] variant in ACADVL gene is interpretated to be Pathogenic based on ACMG guidelines (PMID: 25741868). This variant has been reported in PMID: 21932095. This variant meets the following evidence codes reported in the ACMG guidelines: PS1, PS3

Literature cited by the submitters: PubMed 21932095 (cited by 3 submitters); PubMed 30194637 (cited by Women's Health and Genetics/Laboratory Corporation of America, LabCorp and Labcorp Genetics (formerly Invitae), Labcorp); PubMed 38651394 (cited by Women's Health and Genetics/Laboratory Corporation of America, LabCorp).

NM_000018.4(ACADVL):c.339C>A (p.Phe113Leu)

Gene: ACADVL (acyl-CoA dehydrogenase very long chain; plus strand). Cytogenetic location: 17p13.1.
Variant type: single nucleotide variant.
Coding change: c.339C>A on transcript NM_000018.4 (MANE Select); coding-DNA position 339, C replaced by A.
Protein change: p.Phe113Leu; replaces phenylalanine 113 with leucine.
Molecular consequence: missense variant.
Genome position (GRCh38, 1-based): chr17:7,220,827, C>A. VCF-style: chr17-7220827-C-A. GRCh37 (hg19) VCF-style: chr17-7124146-C-A.
Other names: NM_000018.4(ACADVL):c.339C>A; p.Phe113Leu; c.273C>A, p.Phe91Leu (NM_001033859.3); c.408C>A, p.Phe136Leu (NM_001270447.2); c.111C>A, p.Phe37Leu (NM_001270448.2); short protein forms F113L, F91L, F136L, F37L.
Identifiers: ClinVar variation 474895 (VCV000474895.15), dbSNP rs750653177, ClinGen allele CA397722617.
Genomic context (GRCh38, chr17:7,220,827, plus strand): 5'-GCTCAACGAAGAGCAGACACAGTTTCTTAAAGAGCTGGTGGAGCCTGTGTCCCGTTTCTT[C>A]GAGGTAAGGAATGACTCGGGGCTTGGTCCCTGGTGAGGTGTTTGGAGATGTTAAGCTCAA-3'
Protein context (NP_000009.1, residues 103-123): KELVEPVSRF[Phe113Leu]EEVNDPAKND